The following is an entry in ClinVar:

ClinVar aggregate classification (germline): Uncertain significance. Review status: criteria provided, multiple submitters, no conflicts (2 of 4 stars). 2 submissions from 2 submitters: Uncertain significance (2). Last evaluated 2023-07-13.

Conditions:
Hereditary cancer-predisposing syndrome. Also called: Hereditary Cancer Syndrome; Neoplastic Syndromes, Hereditary; Tumor predisposition; Hereditary neoplastic syndrome. Identifiers: Orphanet 140162, MedGen C0027672, MeSH D009386, MONDO:0015356.
Familial cancer of breast. Also called: Hereditary breast cancer; hereditary breast carcinoma; BREAST CANCER, FAMILIAL. Identifiers: Orphanet 227535, MedGen C0346153, MONDO:0016419, OMIM 114480. Disease mechanism: loss of function.

Allele frequency attached by ClinVar (database versions not stated): gnomAD exomes below 0.00001.
gnomAD v4.1: 2 of 1,613,958 alleles (0.00012%); highest among the groups gnomAD compares: African/African-American, 0.0013%; no homozygotes.

Submissions (2):

Ambry Genetics
Classification: Uncertain significance for Hereditary cancer-predisposing syndrome. Last evaluated: 2023-07-13. Review status: criteria provided, single submitter. Criteria: Ambry Variant Classification Scheme 2023. Collection method: clinical testing. Allele origin: germline.
Comment: The p.S28Y variant (also known as c.83C>A), located in coding exon 1 of the CHEK2 gene, results from a C to A substitution at nucleotide position 83. The serine at codon 28 is replaced by tyrosine, an amino acid with dissimilar properties. One study reported this alteration in an individual undergoing testing for suspected hereditary cancer (Vargas-Parra G et al. Hum Mutat, 2020 Dec;41:2128-2142). This amino acid position is well conserved in available vertebrate species. In addition, the in silico prediction for this alteration is inconclusive. Since supporting evidence is limited at this time, the clinical significance of this alteration remains unclear.

Labcorp Genetics (formerly Invitae), Labcorp
Classification: Uncertain significance for Familial cancer of breast. Last evaluated: 2022-01-03. Review status: criteria provided, single submitter. Criteria: Invitae Variant Classification Sherloc (09022015). Collection method: clinical testing. Allele origin: germline.
Comment: This sequence change replaces serine, which is neutral and polar, with tyrosine, which is neutral and polar, at codon 28 of the CHEK2 protein (p.Ser28Tyr). This variant is not present in population databases (gnomAD no frequency). This variant has not been reported in the literature in individuals affected with CHEK2-related conditions. Algorithms developed to predict the effect of missense changes on protein structure and function are either unavailable or do not agree on the potential impact of this missense change (SIFT: "Deleterious"; PolyPhen-2: "Benign"; Align-GVGD: "Class C0"). In summary, the available evidence is currently insufficient to determine the role of this variant in disease. Therefore, it has been classified as a Variant of Uncertain Significance.

Literature cited by the submitters: PubMed 32906215 (cited by Ambry Genetics).

NM_007194.4(CHEK2):c.83C>A (p.Ser28Tyr)

Gene: CHEK2 (checkpoint kinase 2; minus strand). Cytogenetic location: 22q12.1.
Variant type: single nucleotide variant.
Coding change: c.83C>A on transcript NM_007194.4 (MANE Select); coding-DNA position 83, C replaced by A.
Protein change: p.Ser28Tyr; replaces serine 28 with tyrosine.
Molecular consequence: missense variant.
Genome position (GRCh38, 1-based): chr22:28,734,639, G>T on the plus strand (C>A on the coding strand, the complement: CHEK2 is on the minus strand). VCF-style: chr22-28734639-G-T. GRCh37 (hg19) VCF-style: chr22-29130627-G-T.
Other names: c.83C>A, p.Ser28Tyr (NM_001005735.3, NM_145862.3, NM_001349956.3); c.-695C>A (NM_001257387.3); short protein forms S28Y.
Identifiers: ClinVar variation 2183472 (VCV002183472.6), dbSNP rs2146153004, ClinGen allele CA411091620.